The following is an entry in ClinVar:

NM_001039348.3(EFEMP1):c.690_693dup (p.Pro232fs)

Gene: EFEMP1 (EGF-like fibulin extracellular matrix protein 1; minus strand). Cytogenetic location: 2p16.1.
Variant type: Duplication.
Coding change: c.690_693dup on transcript NM_001039348.3 (MANE Select); coding-DNA positions 690 to 693, 4 bases duplicated (TACA; older notation c.690_693dupTACA).
Protein change: p.Pro232fs; shifts the reading frame from proline 232.
Molecular consequence: frameshift variant.
Genome position (GRCh38, 1-based): chr2:55,877,813-55,877,816, TGTA duplicated on the plus strand (TACA on the coding strand, the reverse complement: EFEMP1 is on the minus strand); duplicating any 4 consecutive bases within chr2:55,877,813-55,877,817 gives the same sequence; the c. name uses the placement nearest the transcript's 3' end. VCF-style (leftmost placement, unchanged base first): chr2-55877812-G-GTGTA. GRCh37 (hg19) VCF-style: chr2-56104947-G-GTGTA.
Other names: c.690_693dup, p.Pro232fs (NM_001039349.3); short protein forms P232fs.
Identifiers: ClinVar variation 2819332 (VCV002819332.3), dbSNP rs2465752553, ClinGen allele CA2739274486.

ClinVar aggregate classification (germline): Pathogenic (1 of 4 stars; one submission).

Submission:

Labcorp Genetics (formerly Invitae), Labcorp
Classification: Pathogenic. Last evaluated: 2025-03-07. Review status: criteria provided, single submitter. Criteria: Invitae Variant Classification Sherloc (09022015). Collection method: clinical testing. Allele origin: germline.
Comment: This sequence change creates a premature translational stop signal (p.Pro232Tyrfs*27) in the EFEMP1 gene. It is expected to result in an absent or disrupted protein product. Loss-of-function variants in EFEMP1 are known to be pathogenic (PMID: 17872905, 33807164, 38348595, 39367272). This variant is not present in population databases (gnomAD no frequency). This variant has not been reported in the literature in individuals affected with EFEMP1-related conditions. ClinVar contains an entry for this variant (Variation ID: 2819332). Algorithms developed to predict the effect of sequence changes on RNA splicing suggest that this variant may disrupt the consensus splice site. For these reasons, this variant has been classified as Pathogenic.

Literature cited by the submitters: PubMed 17872905; PubMed 33807164; PubMed 38348595; PubMed 39367272.